The following is an entry in ClinVar:

ClinVar aggregate classification (germline): Likely benign. Review status: criteria provided, multiple submitters, no conflicts (2 of 4 stars). 2 submissions from 2 submitters: Likely benign (2). Last evaluated 2024-09-01.

Allele frequency attached by ClinVar (database versions not stated): gnomAD exomes 0.00001; ExAC 0.00017; 1000 Genomes Project 30x 0.00078.

Submissions (2):

CeGaT Center for Human Genetics Tuebingen
Classification: Likely benign. Last evaluated: 2024-09-01. Review status: criteria provided, single submitter. Criteria: CeGaT Center For Human Genetics Tuebingen Variant Classification Criteria Version 2. Collection method: clinical testing. Allele origin: germline. Affected: yes. Observed: 1 variant allele.
Comment: AHNAK2: BP4

Ambry Genetics
Classification: Likely benign. Last evaluated: 2023-09-22. Review status: criteria provided, single submitter. Criteria: Ambry Variant Classification Scheme 2023. Collection method: clinical testing. Allele origin: germline.

NM_138420.4(AHNAK2):c.12456G>C (p.Met4152Ile)

Gene: AHNAK2 (AHNAK nucleoprotein 2; minus strand). Cytogenetic location: 14q32.33.
Variant type: single nucleotide variant.
Coding change: c.12456G>C on transcript NM_138420.4 (MANE Select); coding-DNA position 12456, G replaced by C.
Protein change: p.Met4152Ile; replaces methionine 4152 with isoleucine.
Molecular consequence: missense variant.
Genome position (GRCh38, 1-based): chr14:104,942,995, C>G on the plus strand (G>C on the coding strand, the complement: AHNAK2 is on the minus strand). VCF-style: chr14-104942995-C-G. GRCh37 (hg19) VCF-style: chr14-105409332-C-G.
Other names: c.12156G>C, p.Met4052Ile (NM_001350929.2); short protein forms M4152I, M4052I.
Identifiers: ClinVar variation 3100284 (VCV003100284.15), dbSNP rs751865009, ClinGen allele CA7378334.